The following is an entry in ClinVar:

ClinVar aggregate classification (germline): Uncertain significance (1 of 4 stars; one submission).

Submission:

Labcorp Genetics (formerly Invitae), Labcorp
Classification: Uncertain significance. Last evaluated: 2024-05-31. Review status: criteria provided, single submitter. Criteria: Invitae Variant Classification Sherloc (09022015). Collection method: clinical testing. Allele origin: germline.
Comment: This sequence change replaces aspartic acid, which is acidic and polar, with asparagine, which is neutral and polar, at codon 399 of the CAPN5 protein (p.Asp399Asn). This variant is not present in population databases (gnomAD no frequency). This variant has not been reported in the literature in individuals affected with CAPN5-related conditions. Advanced modeling of protein sequence and biophysical properties (such as structural, functional, and spatial information, amino acid conservation, physicochemical variation, residue mobility, and thermodynamic stability) performed at Invitae indicates that this missense variant is not expected to disrupt CAPN5 protein function with a negative predictive value of 80%. In summary, the available evidence is currently insufficient to determine the role of this variant in disease. Therefore, it has been classified as a Variant of Uncertain Significance.

NM_004055.5(CAPN5):c.1195G>A (p.Asp399Asn)

Gene: CAPN5 (calpain 5; plus strand). Cytogenetic location: 11q13.5.
Variant type: single nucleotide variant.
Coding change: c.1195G>A on transcript NM_004055.5 (MANE Select); coding-DNA position 1195, G replaced by A.
Protein change: p.Asp399Asn; replaces aspartic acid 399 with asparagine.
Molecular consequence: missense variant. On other transcripts: non-coding transcript variant (1).
Genome position (GRCh38, 1-based): chr11:77,119,057, G>A. VCF-style: chr11-77119057-G-A. GRCh37 (hg19) VCF-style: chr11-76830103-G-A.
Other names: c.1315G>A, p.Asp439Asn (NM_001425321.1); c.1195G>A, p.Asp399Asn (NM_001425322.1); c.1063G>A, p.Asp355Asn (NM_001425323.1); short protein forms D355N, D399N, D439N.
Identifiers: ClinVar variation 3612653 (VCV003612653.2).